The following is an entry in ClinVar:

ClinVar aggregate classification (germline): Uncertain significance (1 of 4 stars; one submission).

Submission:

Medical Genetic Center, Changzhi Maternal and Child Health Care Hospital
Classification: Uncertain significance. Last evaluated: 2025-12-10. Review status: criteria provided, single submitter. Criteria: ACMG/ClinGen CNV Guidelines, 2019. Collection method: clinical testing. Allele origin: unknown.

GRCh38/hg38 Xp22.31(chrX:6531518-8167604)x1

Genes: MIR4767 (microRNA 4767; plus strand), MIR651 (microRNA 651; plus strand), PNPLA4 (patatin like domain 4, phospholipase and triacylglycerol lipase; minus strand), PUDP (pseudouridine 5'-phosphatase; minus strand), STS (steroid sulfatase; plus strand) and 24 more. Cytogenetic location: Xp22.31.
Variant type: copy number loss.
Change: copy number 1 of chrX:6,531,518-8,167,604 (1.64 Mb, GRCh38 coordinates, 1-based), cytogenetic band Xp22.31.
Identifiers: ClinVar variation 4796210 (VCV004796210.1).